The following is an entry in ClinVar:

ClinVar aggregate classification (germline): Uncertain significance. Review status: criteria provided, multiple submitters, no conflicts (2 of 4 stars). 2 submissions from 2 submitters: Uncertain significance (2). Last evaluated 2025-05-09.

Submissions (2):

GeneDx
Classification: Uncertain significance. Last evaluated: 2025-05-09. Review status: criteria provided, single submitter. Criteria: GeneDx Variant Classification Process June 2021. Collection method: clinical testing. Allele origin: germline. Affected: yes.
Comment: Not observed at significant frequency in large population cohorts (gnomAD); In silico analysis supports that this missense variant has a deleterious effect on protein structure/function; Has not been previously published as pathogenic or benign to our knowledge

Blueprint Genetics
Classification: Uncertain significance. Last evaluated: 2023-11-20. Review status: criteria provided, single submitter. Criteria: ACMG Guidelines, 2015. Collection method: clinical testing. Allele origin: germline.

NM_006180.6(NTRK2):c.1721A>G (p.Tyr574Cys)

Gene: NTRK2 (neurotrophic receptor tyrosine kinase 2; plus strand). Cytogenetic location: 9q21.33.
Variant type: single nucleotide variant.
Coding change: c.1721A>G on transcript NM_006180.6 (MANE Select); coding-DNA position 1721, A replaced by G.
Protein change: p.Tyr574Cys; replaces tyrosine 574 with cysteine.
Molecular consequence: missense variant.
Genome position (GRCh38, 1-based): chr9:84,934,249, A>G. VCF-style: chr9-84934249-A-G. GRCh37 (hg19) VCF-style: chr9-87549164-A-G.
Other names: c.1673A>G, p.Tyr558Cys (NM_001018064.3, NM_001369532.1, NM_001369533.1); c.1637A>G, p.Tyr546Cys (NM_001369534.1); c.1205A>G, p.Tyr402Cys (NM_001369535.1); c.1253A>G, p.Tyr418Cys (NM_001369536.1); short protein forms Y402C, Y418C, Y546C, Y558C, Y574C.
Identifiers: ClinVar variation 4529949 (VCV004529949.2).
Genomic context (GRCh38, chr9:84,934,249, plus strand): 5'-TTGTTCTGAAAAGGGAGCTAGGCGAAGGAGCCTTTGGAAAAGTGTTCCTAGCTGAATGCT[A>G]TAACCTCTGTCCTGAGCAGGACAAGATCTTGGTGGCAGTGAAGGTAAGAGAACATTCCAG-3'
Protein context (NP_006171.2, residues 564-584): AFGKVFLAEC[Tyr574Cys]NLCPEQDKIL